The following is an entry in ClinVar:

NM_015488.5(PNKD):c.902C>T (p.Ala301Val)

Genes: CATIP-AS2 (CATIP antisense RNA 2; minus strand), PNKD (PNKD metallo-beta-lactamase domain containing; plus strand). Cytogenetic location: 2q35.
Variant type: single nucleotide variant.
Coding change: c.902C>T on transcript NM_015488.5 (MANE Select); coding-DNA position 902, C replaced by T.
Protein change: p.Ala301Val; replaces alanine 301 with valine.
Molecular consequence: missense variant.
Genome position (GRCh38, 1-based): chr2:218,344,488, C>T. VCF-style: chr2-218344488-C-T. GRCh37 (hg19) VCF-style: chr2-219209211-C-T.
Other names: c.830C>T, p.Ala277Val (NM_022572.5); short protein forms A277V, A301V.
Identifiers: ClinVar variation 1471824 (VCV001471824.8), dbSNP rs2106298348, ClinGen allele CA350542675.

ClinVar aggregate classification (germline): Uncertain significance (1 of 4 stars; one submission).

Conditions:
Paroxysmal nonkinesigenic dyskinesia. Also called: Paroxysmal non-kinesigenic dyskinesia. Identifiers: Orphanet 98810, MedGen C1869117, MONDO:0700088.

Allele frequency attached by ClinVar (database versions not stated): gnomAD exomes below 0.00001.
gnomAD v4.1: 1 of 1,588,704 alleles (0.000063%); highest among the groups gnomAD compares: South Asian, 0.0011%; no homozygotes.

Submission:

Labcorp Genetics (formerly Invitae), Labcorp
Classification: Uncertain significance for Paroxysmal nonkinesigenic dyskinesia. Last evaluated: 2021-07-14. Review status: criteria provided, single submitter. Criteria: Invitae Variant Classification Sherloc (09022015). Collection method: clinical testing. Allele origin: germline.
Comment: This sequence change replaces alanine with valine at codon 301 of the PNKD protein (p.Ala301Val). The alanine residue is moderately conserved and there is a small physicochemical difference between alanine and valine. This variant is not present in population databases (ExAC no frequency). This variant has not been reported in the literature in individuals affected with PNKD-related conditions. Algorithms developed to predict the effect of missense changes on protein structure and function are either unavailable or do not agree on the potential impact of this missense change (SIFT: "Tolerated"; PolyPhen-2: "Possibly Damaging"; Align-GVGD: "Class C0"). Algorithms developed to predict the effect of sequence changes on RNA splicing suggest that this variant may create or strengthen a splice site. In summary, the available evidence is currently insufficient to determine the role of this variant in disease. Therefore, it has been classified as a Variant of Uncertain Significance.